The following is an entry in ClinVar:

NM_006204.4(PDE6C):c.494C>A (p.Ser165Tyr)

Gene: PDE6C (phosphodiesterase 6C; plus strand). Cytogenetic location: 10q23.33.
Variant type: single nucleotide variant.
Coding change: c.494C>A on transcript NM_006204.4 (MANE Select); coding-DNA position 494, C replaced by A.
Protein change: p.Ser165Tyr; replaces serine 165 with tyrosine.
Molecular consequence: missense variant.
Genome position (GRCh38, 1-based): chr10:93,620,645, C>A. VCF-style: chr10-93620645-C-A. GRCh37 (hg19) VCF-style: chr10-95380402-C-A.
Other names: short protein forms S165Y.
Identifiers: ClinVar variation 1010515 (VCV001010515.8), dbSNP rs2058440989, ClinGen allele CA377625995.

ClinVar aggregate classification (germline): Uncertain significance (1 of 4 stars; one submission).

Submission:

Labcorp Genetics (formerly Invitae), Labcorp
Classification: Uncertain significance. Last evaluated: 2021-01-14. Review status: criteria provided, single submitter. Criteria: Invitae Variant Classification Sherloc (09022015). Collection method: clinical testing. Allele origin: germline.
Comment: In summary, the available evidence is currently insufficient to determine the role of this variant in disease. Therefore, it has been classified as a Variant of Uncertain Significance. Algorithms developed to predict the effect of missense changes on protein structure and function are either unavailable or do not agree on the potential impact of this missense change (SIFT: "Deleterious"; PolyPhen-2: "Probably Damaging"; Align-GVGD: "Class C0"). This variant has not been reported in the literature in individuals with PDE6C-related conditions. This variant is not present in population databases (ExAC no frequency). This sequence change replaces serine with tyrosine at codon 165 of the PDE6C protein (p.Ser165Tyr). The serine residue is highly conserved and there is a large physicochemical difference between serine and tyrosine.